The following is an entry in ClinVar:

NM_000059.4(BRCA2):c.4030_4034del (p.Asn1344fs)

Gene: BRCA2 (BRCA2 DNA repair associated; plus strand). Cytogenetic location: 13q13.1.
Variant type: Deletion.
Coding change: c.4030_4034del on transcript NM_000059.4 (MANE Select); coding-DNA positions 4030 to 4034, 5 bases deleted (AATGA; older notation c.4030_4034delAATGA).
Protein change: p.Asn1344fs; shifts the reading frame from asparagine 1344.
Molecular consequence: frameshift variant.
Genome position (GRCh38, 1-based): chr13:32,338,385-32,338,389, AATGA deleted; deleting any 5 consecutive bases within chr13:32,338,384-32,338,389 gives the same sequence; the c. name uses the placement nearest the transcript's 3' end. VCF-style (leftmost placement, unchanged base first): chr13-32338383-AAAATG-A. GRCh37 (hg19) VCF-style: chr13-32912520-AAAATG-A.
Other names: c.4030_4034delAATGA (NM_000059.3); short protein forms N1344fs.
Identifiers: ClinVar variation 662883 (VCV000662883.10), dbSNP rs1593901208, ClinGen allele CA915948458.

ClinVar aggregate classification (germline): Pathogenic. Review status: criteria provided, multiple submitters, no conflicts (2 of 4 stars). 2 submissions from 2 submitters: Pathogenic (2). Last evaluated 2025-08-07.

Conditions:
Hereditary breast ovarian cancer syndrome. Also called: Hereditary breast and ovarian cancer syndrome (HBOC); Hereditary breast and ovarian cancer syndrome; Breast and ovarian cancer; Hereditary breast and ovarian cancer; Hereditary breast and/or ovarian cancer syndrome; BRCA1- and BRCA2-Associated Hereditary Breast and Ovarian Cancer. Identifiers: Orphanet 145, MedGen C0677776, MeSH D061325, MONDO:0003582. Disease mechanism: loss of function.

Submissions (2):

Labcorp Genetics (formerly Invitae), Labcorp
Classification: Pathogenic for Hereditary breast ovarian cancer syndrome. Last evaluated: 2025-08-07. Review status: criteria provided, single submitter. Criteria: Invitae Variant Classification Sherloc (09022015). Collection method: clinical testing. Allele origin: germline.
Comment: This sequence change creates a premature translational stop signal (p.Asn1344Tyrfs*6) in the BRCA2 gene. It is expected to result in an absent or disrupted protein product. Loss-of-function variants in BRCA2 are known to be pathogenic (PMID: 20104584). This variant is not present in population databases (gnomAD no frequency). This premature translational stop signal has been observed in individual(s) with breast and ovarian cancer (PMID: 23683081). ClinVar contains an entry for this variant (Variation ID: 662883). For these reasons, this variant has been classified as Pathogenic.

GeneDx
Classification: Pathogenic. Last evaluated: 2019-09-03. Review status: criteria provided, single submitter. Criteria: GeneDx Variant Classification Process June 2021. Collection method: clinical testing. Allele origin: germline. Affected: yes.
Comment: Frameshift variant predicted to result in protein truncation or nonsense mediated decay in a gene for which loss-of-function is a known mechanism of disease; Not observed in large population cohorts (Lek et al., 2016); Truncating variants in this gene are considered pathogenic by a well-established clinical consortium and/or database; Has not been previously published as pathogenic or benign to our knowledge; Also known as BRCA2 4258_4262delAATGA; This variant is associated with the following publications: (PMID: 30306255)

Literature cited by the submitters: PubMed 20104584 (cited by Labcorp Genetics (formerly Invitae), Labcorp); PubMed 23683081 (cited by Labcorp Genetics (formerly Invitae), Labcorp).